The following is an entry in ClinVar:

ClinVar aggregate classification (germline): Uncertain significance (1 of 4 stars; one submission).

gnomAD v4.1: 9 of 1,614,110 alleles (0.00056%); highest among the groups gnomAD compares: Non-Finnish European, 0.00076%; no homozygotes.

Submission:

Labcorp Genetics (formerly Invitae), Labcorp
Classification: Uncertain significance. Last evaluated: 2024-02-29. Review status: criteria provided, single submitter. Criteria: Invitae Variant Classification Sherloc (09022015). Collection method: clinical testing. Allele origin: germline.
Comment: This sequence change replaces serine, which is neutral and polar, with phenylalanine, which is neutral and non-polar, at codon 5131 of the HMCN1 protein (p.Ser5131Phe). This variant is present in population databases (no rsID available, gnomAD 0.002%). This variant has not been reported in the literature in individuals affected with HMCN1-related conditions. ClinVar contains an entry for this variant (Variation ID: 1910601). An algorithm developed to predict the effect of missense changes on protein structure and function (PolyPhen-2) suggests that this variant is likely to be tolerated. In summary, the available evidence is currently insufficient to determine the role of this variant in disease. Therefore, it has been classified as a Variant of Uncertain Significance.

NM_031935.3(HMCN1):c.15392C>T (p.Ser5131Phe)

Gene: HMCN1 (hemicentin 1; plus strand). Cytogenetic location: 1q31.1.
Variant type: single nucleotide variant.
Coding change: c.15392C>T on transcript NM_031935.3 (MANE Select); coding-DNA position 15392, C replaced by T.
Protein change: p.Ser5131Phe; replaces serine 5131 with phenylalanine.
Molecular consequence: missense variant.
Genome position (GRCh38, 1-based): chr1:186,166,256, C>T. VCF-style: chr1-186166256-C-T. GRCh37 (hg19) VCF-style: chr1-186135388-C-T.
Other names: short protein forms S5131F.
Identifiers: ClinVar variation 1910601 (VCV001910601.5), dbSNP rs752718264, ClinGen allele CA33496467.
Genomic context (GRCh38, chr1:186,166,256, plus strand): 5'-GTGCAGCAGGGAATCCCTGCTCCCATAGCTGCCACAATGCCATGGGGACTTACTACTGCT[C>T]CTGCCCTAAAGGCCTCACCATAGCTGCAGATGGAAGAACTTGTCAAGGTATTCACAAATC-3'
Protein context (NP_114141.2, residues 5121-5141): CHNAMGTYYC[Ser5131Phe]CPKGLTIAAD